The following is an entry in ClinVar:

NM_001830.4(CLCN4):c.1185C>A (p.Ser395Arg)

Gene: CLCN4 (chloride voltage-gated channel 4; plus strand). Cytogenetic location: Xp22.2.
Variant type: single nucleotide variant.
Coding change: c.1185C>A on transcript NM_001830.4 (MANE Select); coding-DNA position 1185, C replaced by A.
Protein change: p.Ser395Arg; replaces serine 395 with arginine.
Molecular consequence: missense variant.
Genome position (GRCh38, 1-based): chrX:10,208,386, C>A. VCF-style: chrX-10208386-C-A. GRCh37 (hg19) VCF-style: chrX-10176426-C-A.
Other names: c.903C>A, p.Ser301Arg (NM_001256944.2); short protein forms S301R, S395R.
Identifiers: ClinVar variation 1700392 (VCV001700392.2), dbSNP rs761467131, ClinGen allele CA412038035.
Genomic context (GRCh38, chrX:10,208,386, plus strand): 5'-GGTGACTGCCATCACTGCCATCATTGCCTACCCCAATCCCTACACACGCCAGAGCACCAG[C>A]GAGCTCATTTCTGAGCTGTTCAATGACTGTGGAGCCCTTGAGTCTTCCCAGCTCTGTGAC-3'
Protein context (NP_001821.2, residues 385-405): YPNPYTRQST[Ser395Arg]ELISELFNDC

ClinVar aggregate classification (germline): Uncertain significance (1 of 4 stars; one submission).

Submission:

GeneDx
Classification: Uncertain significance. Last evaluated: 2022-02-06. Review status: criteria provided, single submitter. Criteria: GeneDx Variant Classification Process June 2021. Collection method: clinical testing. Allele origin: germline. Affected: yes.
Comment: Not observed at significant frequency in large population cohorts (gnomAD); In silico analysis supports that this missense variant has a deleterious effect on protein structure/function; Has not been previously published as pathogenic or benign to our knowledge